The following is an entry in ClinVar:

ClinVar aggregate classification (germline): Uncertain significance (1 of 4 stars; one submission).

Allele frequency attached by ClinVar (database versions not stated): TOPMed below 0.00001; gnomAD 0.00001.
gnomAD v4.1: 3 of 1,613,906 alleles (0.00019%); highest among the groups gnomAD compares: Non-Finnish European, 0.00017%; no homozygotes.

Submission:

Labcorp Genetics (formerly Invitae), Labcorp
Classification: Uncertain significance. Last evaluated: 2025-12-08. Review status: criteria provided, single submitter. Criteria: Invitae Variant Classification Sherloc (09022015). Collection method: clinical testing. Allele origin: germline.
Comment: This sequence change replaces arginine, which is basic and polar, with cysteine, which is neutral and slightly polar, at codon 899 of the CLTC protein (p.Arg899Cys). This variant is present in population databases (no rsID available, gnomAD 0.002%). This missense change has been observed in individual(s) with neurodevelopmental disorder (PMID: 33004838). ClinVar contains an entry for this variant (Variation ID: 2199798). Invitae Evidence Modeling of protein sequence and biophysical properties (such as structural, functional, and spatial information, amino acid conservation, physicochemical variation, residue mobility, and thermodynamic stability) has been performed for this missense variant. However, the output from this modeling did not meet the statistical confidence thresholds required to predict the impact of this variant on CLTC protein function. In summary, the available evidence is currently insufficient to determine the role of this variant in disease. Therefore, it has been classified as a Variant of Uncertain Significance.

Literature cited by the submitters: PubMed 33004838.

NM_004859.4(CLTC):c.2683C>T (p.Arg895Cys)

Gene: CLTC (clathrin heavy chain; plus strand). Cytogenetic location: 17q23.1.
Variant type: single nucleotide variant.
Coding change: c.2683C>T on transcript NM_004859.4 (MANE Select); coding-DNA position 2683, C replaced by T.
Protein change: p.Arg895Cys; replaces arginine 895 with cysteine.
Molecular consequence: missense variant.
Genome position (GRCh38, 1-based): chr17:59,677,075, C>T. VCF-style: chr17-59677075-C-T. GRCh37 (hg19) VCF-style: chr17-57754436-C-T.
Other names: c.2695C>T, p.Arg899Cys (NM_001288653.2); short protein forms R895C, R899C.
Identifiers: ClinVar variation 2199798 (VCV002199798.4), dbSNP rs1449246482, ClinGen allele CA400415920.